The following is an entry in ClinVar:

NM_003742.4(ABCB11):c.1028A>G (p.Tyr343Cys)

Gene: ABCB11 (ATP binding cassette subfamily B member 11; minus strand). Cytogenetic location: 2q31.1.
Variant type: single nucleotide variant.
Coding change: c.1028A>G on transcript NM_003742.4 (MANE Select); coding-DNA position 1028, A replaced by G.
Protein change: p.Tyr343Cys; replaces tyrosine 343 with cysteine.
Molecular consequence: missense variant.
Genome position (GRCh38, 1-based): chr2:168,986,165, T>C on the plus strand (A>G on the coding strand, the complement: ABCB11 is on the minus strand). VCF-style: chr2-168986165-T-C. GRCh37 (hg19) VCF-style: chr2-169842675-T-C.
Other names: short protein forms Y343C.
Identifiers: ClinVar variation 4846228 (VCV004846228.1).
Genomic context (GRCh38, chr2:168,986,165, plus strand): 5'-GGTACCTGGACAAGGGTTCCTGGTGTATATTCTCCTTCATCCAGGACAAGTGTGGAGCCG[T>C]ACCAGAAGGCCAGTGCATAACACAAAAAGATGAGACACCACACGAATCCAGTAAAGAATC-3'
Protein context (NP_003733.2, residues 333-353): IFLCYALAFW[Tyr343Cys]GSTLVLDEGE

ClinVar aggregate classification (germline): Uncertain significance (1 of 4 stars; one submission).

Conditions:
Familial intrahepatic cholestasis. Identifiers: Orphanet 284385, MedGen CN296401, MONDO:0017290.

Submission:

Genomenon, Inc
Classification: Uncertain significance for Familial intrahepatic cholestasis. Last evaluated: 2026-04-14. Review status: criteria provided, single submitter. Criteria: Genomenon Sequence Variant Interpretation Standards - Updated. Collection method: curation. Allele origin: germline. Affected: yes.
Comment: ABCB11 p.Tyr343Cys (c.1028A>G) is a missense variant that changes the amino acid at residue 343 from Tyrosine to Cysteine. This variant has been observed in at least one proband with an ABCB11-related disorder (PMID:37471416). It is absent or not present at a significant frequency in gnomAD. In silico models predict that this variant is possibly or probably damaging. In conclusion, we classify ABCB11 p.Tyr343Cys (c.1028A>G) as a variant of uncertain significance.

Literature cited by the submitters: PubMed 37471416.